The following is an entry in ClinVar:

ClinVar aggregate classification (germline): Conflicting classifications of pathogenicity. Review status: criteria provided, conflicting classifications (1 of 4 stars). 5 submissions from 5 submitters: Uncertain significance (2); Benign (2); Likely benign (1). Last evaluated 2025-11-20.

Conditions:
GCSH-related disorder. Also called: GCSH-related condition.
Glycine encephalopathy. Also called: Nonketotic hyperglycinemia; Non-ketotic hyperglycinemia. Identifiers: Orphanet 407, MedGen C0751748, MONDO:0011612, HP:0008288.

Allele frequency attached by ClinVar (database versions not stated): ExAC below 0.00001; 1000 Genomes Project 0.00080; 1000 Genomes Project 30x 0.00141; gnomAD exomes 0.00215 and 0.00388; TOPMed 0.00271; gnomAD 0.00314 and 0.00326.
gnomAD v4.1: 4,925 of 1,314,560 alleles (0.37%); highest among the groups gnomAD compares: Non-Finnish European, 0.41%; 8 homozygotes.

Submissions (5):

PreventionGenetics, part of Exact Sciences
Classification: Benign for GCSH-related condition. Last evaluated: 2025-11-20. Review status: criteria provided, single submitter. Criteria: ACMG Guidelines, 2015. Collection method: clinical testing. Allele origin: germline.
Comment: This variant is classified as benign based on ACMG/AMP sequence variant interpretation guidelines (Richards et al. 2015 PMID: 25741868, with internal and published modifications).

Blueprint Genetics
Classification: Likely benign. Last evaluated: 2024-11-25. Review status: criteria provided, single submitter. Criteria: ACMG Guidelines, 2015. Collection method: clinical testing. Allele origin: germline.

Labcorp Genetics (formerly Invitae), Labcorp
Classification: Benign for Glycine encephalopathy. Last evaluated: 2024-08-14. Review status: criteria provided, single submitter. Criteria: Invitae Variant Classification Sherloc (09022015). Collection method: clinical testing. Allele origin: germline.

CeGaT Center for Human Genetics Tuebingen
Classification: Uncertain significance. Last evaluated: 2019-08-01. Review status: criteria provided, single submitter. Criteria: CeGaT Center For Human Genetics Tuebingen Variant Classification Criteria Version 2. Collection method: clinical testing. Allele origin: germline. Affected: yes. Observed: 2 variant alleles.

Fulgent Genetics
Classification: Uncertain significance for Glycine encephalopathy 1. Last evaluated: 2018-10-31. Review status: criteria provided, single submitter. Criteria: ACMG Guidelines, 2015. Collection method: clinical testing. Allele origin: unknown.

NM_004483.5(GCSH):c.53C>T (p.Ala18Val)

Genes: GCSH (glycine cleavage system protein H; minus strand), LOC130059495 (ATAC-STARR-seq lymphoblastoid silent region 7751; plus strand). Cytogenetic location: 16q23.2.
Variant type: single nucleotide variant.
Coding change: c.53C>T on transcript NM_004483.5 (MANE Select); coding-DNA position 53, C replaced by T.
Protein change: p.Ala18Val; replaces alanine 18 with valine.
Molecular consequence: missense variant. On other transcripts: non-coding transcript variant (1).
Genome position (GRCh38, 1-based): chr16:81,096,226, G>A on the plus strand (C>T on the coding strand, the complement: GCSH is on the minus strand). VCF-style: chr16-81096226-G-A. GRCh37 (hg19) VCF-style: chr16-81129831-G-A.
Other names: short protein forms A18V.
Identifiers: ClinVar variation 462908 (VCV000462908.56), dbSNP rs540997326, ClinGen allele CA8186830.
Genomic context (GRCh38, chr16:81,096,226, plus strand): 5'-ACGGCGCCCACCCCCAGCTGCCAGGGCCTCGGCGGGCAGGGCGCGGCGGGTGACGGGACC[G>A]CGCGCAGGGTGCAGAGCAGGGCCCGCACGCTCCGCACCACTCGCAGCGCCATGTTCGCAG-3'
Protein context (NP_004474.2, residues 8-28): SVRALLCTLR[Ala18Val]VPSPAAPCPP